The following is an entry in ClinVar:

ClinVar aggregate classification (germline): Uncertain significance. Review status: criteria provided, multiple submitters, no conflicts (2 of 4 stars). 2 submissions from 2 submitters: Uncertain significance (2). Last evaluated 2024-03-27.

Conditions:
Cardiovascular phenotype. Identifiers: MedGen CN230736.

Allele frequency attached by ClinVar (database versions not stated): gnomAD exomes below 0.00001; gnomAD 0.00001; TOPMed 0.00002.
gnomAD v4.1: 2 of 1,612,498 alleles (0.00012%); highest among the groups gnomAD compares: Admixed American, 0.0033%; no homozygotes.

Submissions (2):

Mayo Clinic Laboratories, Mayo Clinic
Classification: Uncertain significance. Last evaluated: 2024-03-27. Review status: criteria provided, single submitter. Criteria: ACMG Guidelines, 2015. Collection method: clinical testing. Allele origin: germline. Observed: 1 variant allele.
Comment: PP2, PM2

Ambry Genetics
Classification: Uncertain significance for Cardiovascular phenotype. Last evaluated: 2021-06-10. Review status: criteria provided, single submitter. Criteria: Ambry Variant Classification Scheme 2023. Collection method: clinical testing. Allele origin: germline.
Comment: The p.L2F variant (also known as c.6G>T), located in coding exon 1 of the KCNJ8 gene, results from a G to T substitution at nucleotide position 6. The leucine at codon 2 is replaced by phenylalanine, an amino acid with highly similar properties. This amino acid position is highly conserved in available vertebrate species. In addition, the in silico prediction for this alteration is inconclusive. Since supporting evidence is limited at this time, the clinical significance of this alteration remains unclear.

NM_004982.4(KCNJ8):c.6G>T (p.Leu2Phe)

Genes: KCNJ8-AS1 (KCNJ8 antisense RNA 1; plus strand), KCNJ8 (potassium inwardly rectifying channel subfamily J member 8; minus strand). Cytogenetic location: 12p12.1.
Variant type: single nucleotide variant.
Coding change: c.6G>T on transcript NM_004982.4 (MANE Select); coding-DNA position 6, G replaced by T.
Protein change: p.Leu2Phe; replaces leucine 2 with phenylalanine.
Molecular consequence: missense variant.
Genome position (GRCh38, 1-based): chr12:21,773,611, C>A on the plus strand (G>T on the coding strand, the complement: KCNJ8 is on the minus strand). VCF-style: chr12-21773611-C-A. GRCh37 (hg19) VCF-style: chr12-21926545-C-A.
Other names: p.Leu2Phe; short protein forms L2F.
Identifiers: ClinVar variation 263769 (VCV000263769.6), dbSNP rs886038917, ClinGen allele CA10587739.